The following is an entry in ClinVar:

NM_000632.4(ITGAM):c.557del (p.Leu186fs)

Gene: ITGAM (integrin subunit alpha M; plus strand). Cytogenetic location: 16p11.2.
Variant type: Deletion.
Coding change: c.557del on transcript NM_000632.4 (MANE Select); coding-DNA position 557, one base deleted (T; older notation c.557delT).
Protein change: p.Leu186fs; shifts the reading frame from leucine 186.
Molecular consequence: frameshift variant.
Genome position (GRCh38, 1-based): chr16:31,271,083, T deleted; the last of 2 consecutive T bases (chr16:31,271,082-31,271,083); deleting either gives the same sequence. VCF-style (leftmost placement, unchanged base first): chr16-31271081-CT-C. GRCh37 (hg19) VCF-style: chr16-31282402-CT-C.
Other names: c.557del, p.Leu186fs (NM_001145808.2); short protein forms L186fs.
Identifiers: ClinVar variation 1380844 (VCV001380844.6), dbSNP rs1159652843, ClinGen allele CA621878480.

ClinVar aggregate classification (germline): Uncertain significance (1 of 4 stars; one submission).

Submission:

Labcorp Genetics (formerly Invitae), Labcorp
Classification: Uncertain significance. Last evaluated: 2022-02-05. Review status: criteria provided, single submitter. Criteria: Invitae Variant Classification Sherloc (09022015). Collection method: clinical testing. Allele origin: germline.
Comment: In summary, the available evidence is currently insufficient to determine the role of this variant in disease. Therefore, it has been classified as a Variant of Uncertain Significance. This variant has not been reported in the literature in individuals affected with ITGAM-related conditions. This variant is present in population databases (no rsID available, gnomAD 0.001%). This sequence change creates a premature translational stop signal (p.Leu186Cysfs*4) in the ITGAM gene. It is expected to result in an absent or disrupted protein product. However, the current clinical and genetic evidence is not sufficient to establish whether loss-of-function variants in ITGAM cause disease.